The following is an entry in ClinVar:

NM_206965.2(FTCD):c.1273C>T (p.Leu425Phe)

Gene: FTCD (formimidoyltransferase cyclodeaminase; minus strand). Cytogenetic location: 21q22.3.
Variant type: single nucleotide variant.
Coding change: c.1273C>T on transcript NM_206965.2 (MANE Select); coding-DNA position 1273, C replaced by T.
Protein change: p.Leu425Phe; replaces leucine 425 with phenylalanine.
Molecular consequence: missense variant.
Genome position (GRCh38, 1-based): chr21:46,138,911, G>A on the plus strand (C>T on the coding strand, the complement: FTCD is on the minus strand). VCF-style: chr21-46138911-G-A. GRCh37 (hg19) VCF-style: chr21-47558825-G-A.
Other names: c.1273C>T, p.Leu425Phe (NM_001320412.2, NM_006657.3); short protein forms L425F.
Identifiers: ClinVar variation 971763 (VCV000971763.11), dbSNP rs755340941, ClinGen allele CA10073546.

ClinVar aggregate classification (germline): Uncertain significance. Review status: criteria provided, multiple submitters, no conflicts (2 of 4 stars). 2 submissions from 2 submitters: Uncertain significance (2). Last evaluated 2023-05-03.

Conditions:
Inborn genetic diseases. Identifiers: MedGen C0950123, MeSH D030342.
Glutamate formiminotransferase deficiency. Also called: Formiminoglutamic aciduria; Arakawa syndrome 1. Identifiers: Orphanet 51208, MedGen C0268609, MONDO:0009240, OMIM 229100.

Allele frequency attached by ClinVar (database versions not stated): gnomAD 0.00001; gnomAD exomes 0.00002 and 0.00012; TOPMed 0.00006; ExAC 0.00007.
gnomAD v4.1: 32 of 1,612,756 alleles (0.002%); highest among the groups gnomAD compares: East Asian, 0.06%; no homozygotes.

Submissions (2):

Ambry Genetics
Classification: Uncertain significance for Inborn genetic diseases. Last evaluated: 2023-05-03. Review status: criteria provided, single submitter. Criteria: Ambry Variant Classification Scheme 2023. Collection method: clinical testing. Allele origin: germline.

Labcorp Genetics (formerly Invitae), Labcorp
Classification: Uncertain significance for Glutamate formiminotransferase deficiency. Last evaluated: 2019-10-29. Review status: criteria provided, single submitter. Criteria: Invitae Variant Classification Sherloc (09022015). Collection method: clinical testing. Allele origin: germline.
Comment: Algorithms developed to predict the effect of missense changes on protein structure and function are either unavailable or do not agree on the potential impact of this missense change (SIFT: "Deleterious"; PolyPhen-2: "Possibly Damaging"; Align-GVGD: "Class C0"). In summary, the available evidence is currently insufficient to determine the role of this variant in disease. Therefore, it has been classified as a Variant of Uncertain Significance. This variant has not been reported in the literature in individuals with FTCD-related conditions. This variant is present in population databases (rs755340941, ExAC 0.1%). This sequence change replaces leucine with phenylalanine at codon 425 of the FTCD protein (p.Leu425Phe). The leucine residue is moderately conserved and there is a small physicochemical difference between leucine and phenylalanine.